The following is an entry in ClinVar:

ClinVar aggregate classification (germline): Uncertain significance (1 of 4 stars; one submission).

Conditions:
Intellectual developmental disorder, autosomal dominant 45. Also called: MENTAL RETARDATION, AUTOSOMAL DOMINANT 45; Intellectual disability, autosomal dominant 45. Identifiers: MedGen C4539848, MONDO:0030910, OMIM 617600.

Submission:

Neuberg Centre For Genomic Medicine, NCGM
Classification: Uncertain significance for Intellectual developmental disorder, autosomal dominant 45. Last evaluated: 2023-07-22. Review status: criteria provided, single submitter. Criteria: ACMG Guidelines, 2015. Collection method: clinical testing. Allele origin: germline. Inheritance: Autosomal dominant inheritance. Affected: yes.
Comment: The missense variant c.2326T>A p.Ser776Thr in the CIC gene has not been reported previously as a pathogenic variant nor as a benign variant, to our knowledge. This variant is absent in the gnomAD Exomes. The amino acid Ser at position 776 is changed to a Thr changing protein sequence and it might alter its composition and physico-chemical properties. The amino acid change p.Ser776Thr in CIC is predicted as conserved by GERP++ and PhyloP across 100 vertebrates. For these reasons, this variant has been classified as Uncertain Significance

NM_001386298.1(CIC):c.2326T>A (p.Ser776Thr)

Gene: CIC (capicua transcriptional repressor; plus strand). Cytogenetic location: 19q13.2.
Variant type: single nucleotide variant.
Coding change: c.2326T>A on transcript NM_001386298.1 (MANE Select); coding-DNA position 2326, T replaced by A.
Protein change: p.Ser776Thr; replaces serine 776 with threonine.
Molecular consequence: missense variant.
Genome position (GRCh38, 1-based): chr19:42,274,109, T>A. VCF-style: chr19-42274109-T-A. GRCh37 (hg19) VCF-style: chr19-42778261-T-A.
Other names: c.2326T>A, p.Ser776Thr (NM_001304815.2, NM_001379480.1, NM_001379482.1); short protein forms S776T.
Identifiers: ClinVar variation 3391222 (VCV003391222.1).